The following is an entry in ClinVar:

NM_000379.4(XDH):c.3405-2A>T

Gene: XDH (xanthine dehydrogenase; minus strand). Cytogenetic location: 2p23.1.
Variant type: single nucleotide variant.
Coding change: c.3405-2A>T on transcript NM_000379.4 (MANE Select); the canonical splice acceptor site of the intron before coding-DNA position 3405, A replaced by T.
Molecular consequence: splice acceptor variant.
Genome position (GRCh38, 1-based): chr2:31,342,299, T>A on the plus strand (A>T on the coding strand, the complement: XDH is on the minus strand). VCF-style: chr2-31342299-T-A. GRCh37 (hg19) VCF-style: chr2-31565165-T-A.
Identifiers: ClinVar variation 4991804 (VCV004991804.1).

ClinVar aggregate classification (germline): Likely pathogenic (1 of 4 stars; one submission).

Conditions:
XDH-related disorder. Also called: XDH-related condition.

gnomAD v4.1: 2 of 1,613,288 alleles (0.00012%); highest among the groups gnomAD compares: Middle Eastern, 0.033%; no homozygotes.

Submission:

PreventionGenetics, part of Exact Sciences
Classification: Likely pathogenic for XDH-related condition. Last evaluated: 2026-03-02. Review status: criteria provided, single submitter. Criteria: ACMG Guidelines, 2015. Collection method: clinical testing. Allele origin: germline.
Comment: The XDH c.3405-2A>T variant is predicted to disrupt the AG splice acceptor site and interfere with normal splicing. To our knowledge, this variant has not been reported in the literature or in a large population database (gnomAD), indicating this variant is rare. Variants that disrupt the consensus splice acceptor site in XDH are expected to be pathogenic. This variant is interpreted as likely pathogenic.